The following is an entry in ClinVar:

ClinVar aggregate classification (germline): Uncertain significance. Review status: criteria provided, multiple submitters, no conflicts (2 of 4 stars). 2 submissions from 2 submitters: Uncertain significance (2). Last evaluated 2024-01-08.

Conditions:
Myoclonic dystonia 11 (DYT11). Also called: Myoclonic dystonia; Dystonia 11; Dystonia, alcohol responsive; Hereditary essential myoclonus; SGCE Myoclonus-Dystonia; Myoclonus-Dystonia. Identifiers: Orphanet 36899, MedGen C1834570, MONDO:0008044, OMIM 159900.

Allele frequency attached by ClinVar (database versions not stated): gnomAD exomes below 0.00001; TOPMed below 0.00001; gnomAD 0.00001.
gnomAD v4.1: 3 of 1,613,300 alleles (0.00019%); highest among the groups gnomAD compares: Non-Finnish European, 0.00025%; no homozygotes.

Submissions (2):

Labcorp Genetics (formerly Invitae), Labcorp
Classification: Uncertain significance for Myoclonic dystonia 11. Last evaluated: 2024-01-08. Review status: criteria provided, single submitter. Criteria: Invitae Variant Classification Sherloc (09022015). Collection method: clinical testing. Allele origin: germline.
Comment: This sequence change replaces cysteine, which is neutral and slightly polar, with serine, which is neutral and polar, at codon 235 of the SGCE protein (p.Cys235Ser). This variant is not present in population databases (gnomAD no frequency). This variant has not been reported in the literature in individuals affected with SGCE-related conditions. ClinVar contains an entry for this variant (Variation ID: 1521460). Advanced modeling of protein sequence and biophysical properties (such as structural, functional, and spatial information, amino acid conservation, physicochemical variation, residue mobility, and thermodynamic stability) performed at Invitae indicates that this missense variant is not expected to disrupt SGCE protein function with a negative predictive value of 80%. In summary, the available evidence is currently insufficient to determine the role of this variant in disease. Therefore, it has been classified as a Variant of Uncertain Significance.

Blueprint Genetics
Classification: Uncertain significance. Last evaluated: 2023-09-25. Review status: criteria provided, single submitter. Criteria: ACMG Guidelines, 2015. Collection method: clinical testing. Allele origin: germline.

NM_003919.3(SGCE):c.704G>C (p.Cys235Ser)

Genes: CASD1 (CAS1 domain sialic acid O acetyltransferase 1; plus strand), SGCE (sarcoglycan epsilon; minus strand). Cytogenetic location: 7q21.3.
Variant type: single nucleotide variant.
Coding change: c.704G>C on transcript NM_003919.3 (MANE Select); coding-DNA position 704, G replaced by C.
Protein change: p.Cys235Ser; replaces cysteine 235 with serine.
Molecular consequence: missense variant.
Genome position (GRCh38, 1-based): chr7:94,603,411, C>G on the plus strand (G>C on the coding strand, the complement: SGCE is on the minus strand). VCF-style: chr7-94603411-C-G. GRCh37 (hg19) VCF-style: chr7-94232723-C-G.
Other names: c.704G>C, p.Cys235Ser (NM_001099400.2, NM_001099401.2, NM_001346717.2); c.581G>C, p.Cys194Ser (NM_001301139.2, NM_001362809.2); c.812G>C, p.Cys271Ser (NM_001346713.2, NM_001346715.2); c.617G>C, p.Cys206Ser (NM_001346719.2, NM_001362807.2); c.431G>C, p.Cys144Ser (NM_001346720.2, NM_001362808.2); short protein forms C235S, C144S, C194S, C206S, C271S.
Identifiers: ClinVar variation 1521460 (VCV001521460.9), dbSNP rs958186178, ClinGen allele CA162924149.